The following is an entry in ClinVar:

NM_000836.4(GRIN2D):c.1982T>C (p.Val661Ala)

Genes: GRIN2D (glutamate ionotropic receptor NMDA type subunit 2D; plus strand), LOC130064857 (ATAC-STARR-seq lymphoblastoid active region 14894; plus strand). Cytogenetic location: 19q13.33.
Variant type: single nucleotide variant.
Coding change: c.1982T>C on transcript NM_000836.4 (MANE Select); coding-DNA position 1982, T replaced by C.
Protein change: p.Val661Ala; replaces valine 661 with alanine.
Molecular consequence: missense variant.
Genome position (GRCh38, 1-based): chr19:48,419,705, T>C. VCF-style: chr19-48419705-T-C. GRCh37 (hg19) VCF-style: chr19-48922962-T-C.
Other names: short protein forms V661A.
Identifiers: ClinVar variation 2506722 (VCV002506722.2), dbSNP rs1970994541, ClinGen allele CA406698174.

ClinVar aggregate classification (germline): Uncertain significance. Review status: criteria provided, multiple submitters, no conflicts (2 of 4 stars). 2 submissions from 2 submitters: Uncertain significance (2). Last evaluated 2024-07-09.

Allele frequency attached by ClinVar (database versions not stated): TOPMed below 0.00001.

Submissions (2):

Blueprint Genetics
Classification: Uncertain significance. Last evaluated: 2024-07-09. Review status: criteria provided, single submitter. Criteria: ACMG Guidelines, 2015. Collection method: clinical testing. Allele origin: germline.

GeneDx
Classification: Uncertain significance. Last evaluated: 2022-12-22. Review status: criteria provided, single submitter. Criteria: GeneDx Variant Classification Process June 2021. Collection method: clinical testing. Allele origin: germline. Affected: yes.
Comment: Not observed at significant frequency in large population cohorts (gnomAD); In silico analysis supports that this missense variant has a deleterious effect on protein structure/function; Has not been previously published as pathogenic or benign to our knowledge